The following is an entry in ClinVar:

NM_001080449.3(DNA2):c.1728A>T (p.Gly576=)

Gene: DNA2 (DNA replication helicase/nuclease 2; minus strand). Cytogenetic location: 10q21.3.
Variant type: single nucleotide variant.
Coding change: c.1728A>T on transcript NM_001080449.3 (MANE Select); coding-DNA position 1728, A replaced by T.
Protein change: p.Gly576=; no amino-acid change (glycine 576 retained).
Molecular consequence: synonymous variant. On other transcripts: non-coding transcript variant (1).
Genome position (GRCh38, 1-based): chr10:68,432,429, T>A on the plus strand (A>T on the coding strand, the complement: DNA2 is on the minus strand). VCF-style: chr10-68432429-T-A. GRCh37 (hg19) VCF-style: chr10-70192186-T-A.
Identifiers: ClinVar variation 1306487 (VCV001306487.2), dbSNP rs2051835489, ClinGen allele CA469827473.
Genomic context (GRCh38, chr10:68,432,429, plus strand): 5'-TTCAAATTTGCTCATTGTTACAAACCTGACAAACGTGTTTTCCATCAATTTGGAAAGATT[T>A]CCTAATGGGGTATCTATATCACAATTTTTTTCTTCTTGGTCTAATCTGAACAAAGTTGAT-3'
Protein context (NP_001073918.2, residues 566-586): EKNCDIDTPL[Gly576=]NLSKLMENTF

ClinVar aggregate classification (germline): Uncertain significance (1 of 4 stars; one submission).

Allele frequency attached by ClinVar (database versions not stated): gnomAD 0.00001.

Submission:

GeneDx
Classification: Uncertain significance. Last evaluated: 2019-06-28. Review status: criteria provided, single submitter. Criteria: GeneDx Variant Classification Process June 2021. Collection method: clinical testing. Allele origin: germline. Affected: yes.
Comment: Has not been previously published as pathogenic or benign to our knowledge; Not observed in large population cohorts (Lek et al., 2016); In silico analysis, which includes splice predictors and evolutionary conservation, suggests this variant may impact gene splicing. In the absence of RNA/functional studies, the actual effect of this sequence change is unknown.